The following is an entry in ClinVar:

ClinVar aggregate classification (germline): Uncertain significance (1 of 4 stars; one submission).

Submission:

GeneDx
Classification: Uncertain significance. Last evaluated: 2022-06-22. Review status: criteria provided, single submitter. Criteria: GeneDx Variant Classification Process June 2021. Collection method: clinical testing. Allele origin: germline. Affected: yes.
Comment: Not observed at significant frequency in large population cohorts (gnomAD); In silico analysis supports that this missense variant has a deleterious effect on protein structure/function; Has not been previously published as pathogenic or benign to our knowledge

NM_001003800.2(BICD2):c.1310G>C (p.Cys437Ser)

Gene: BICD2 (BICD cargo adaptor 2; minus strand). Cytogenetic location: 9q22.31.
Variant type: single nucleotide variant.
Coding change: c.1310G>C on transcript NM_001003800.2 (MANE Select); coding-DNA position 1310, G replaced by C.
Protein change: p.Cys437Ser; replaces cysteine 437 with serine.
Molecular consequence: missense variant.
Genome position (GRCh38, 1-based): chr9:92,719,335, C>G on the plus strand (G>C on the coding strand, the complement: BICD2 is on the minus strand). VCF-style: chr9-92719335-C-G. GRCh37 (hg19) VCF-style: chr9-95481617-C-G.
Other names: c.1310G>C, p.Cys437Ser (NM_015250.4); short protein forms C437S.
Identifiers: ClinVar variation 1806728 (VCV001806728.1), dbSNP rs2490446822, ClinGen allele CA374038973.